The following is an entry in ClinVar:

NM_007294.4(BRCA1):c.593+167T>C

Gene: BRCA1 (BRCA1 DNA repair associated; minus strand). Cytogenetic location: 17q21.31.
Variant type: single nucleotide variant.
Coding change: c.593+167T>C on transcript NM_007294.4 (MANE Select); 167 bases into the intron after coding-DNA position 593, T replaced by C.
Molecular consequence: intron variant.
Genome position (GRCh38, 1-based): chr17:43,097,077, A>G on the plus strand (T>C on the coding strand, the complement: BRCA1 is on the minus strand). VCF-style: chr17-43097077-A-G. GRCh37 (hg19) VCF-style: chr17-41249094-A-G.
Other names: IVS 9+167T>C; c.338-2217T>C (NM_001407946.1, NM_001407952.1, NM_001407950.1 and 7 more transcripts); c.383+167T>C (NM_001408489.1, NM_001408479.1, NM_001407910.1 and 27 more transcripts); c.584+167T>C (NM_001407646.1, NM_001408408.1, NM_001407647.1); c.545-2217T>C (NM_001408445.1, NM_001408432.1, NM_001407689.1 and 20 more transcripts); c.590+167T>C (NM_001408431.1, NM_001408424.1, NM_001408407.1 and 41 more transcripts); c.548-2217T>C (NM_001408443.1, NM_001408439.1, NM_001408425.1 and 34 more transcripts); c.593+167T>C (NM_001408419.1, NM_001408403.1, NM_001407983.1 and 58 more transcripts); and 18 more.
Identifiers: ClinVar variation 209451 (VCV000209451.6), dbSNP rs8176145, ClinGen allele CA276422.

ClinVar aggregate classification (germline): Benign. Review status: reviewed by expert panel (3 of 4 stars). 3 submissions from 3 submitters: Benign (1). 2 of the submissions do not count toward it. Last evaluated 2015-01-12.

Conditions:
Breast-ovarian cancer, familial, susceptibility to, 1 (BROVCA1). Also called: BRCA1 Hereditary Breast and Ovarian Cancer; OVARIAN CANCER, SUSCEPTIBILITY TO. Identifiers: Orphanet 145, MedGen C2676676, MONDO:0011450, OMIM 604370. Disease mechanism: loss of function.

Allele frequency attached by ClinVar (database versions not stated): TOPMed 0.30132; gnomAD 0.30784 and 0.31527; 1000 Genomes Project 30x 0.34681; 1000 Genomes Project 0.35264.
gnomAD v4.1: 47,945 of 152,020 alleles (32%); highest among the groups gnomAD compares: South Asian, 49%; 7,892 homozygotes.

Submissions (3):

Evidence-based Network for the Interpretation of Germline Mutant Alleles (ENIGMA)
Classification: Benign for Breast-ovarian cancer, familial 1. Last evaluated: 2015-01-12. Review status: reviewed by expert panel. Criteria: ENIGMA BRCA1/2 Classification Criteria (2015). Collection method: curation. Allele origin: germline.
Comment: Class 1 not pathogenic based on frequency >1% in an outbred sampleset. Frequency 0.3304 (Asian), 0.2154 (African), 0.3562 (European), derived from 1000 genomes (2012-04-30).

GeneDx
Classification: Benign. Last evaluated: 2018-06-23. Review status: criteria provided, single submitter. Criteria: GeneDx Variant Classification Process June 2021. Collection method: clinical testing. Allele origin: germline. Affected: yes. Not counted in ClinVar's aggregate classification.

Breakthrough Genomics
Classification: Benign. Review status: criteria provided, single submitter. Criteria: ACMG Guidelines, 2015. Collection method: not provided. Allele origin: germline. Inheritance: Autosomal recessive inheritance. Affected: yes. Not counted in ClinVar's aggregate classification.